The following is an entry in ClinVar:

NM_017534.6(MYH2):c.4893G>C (p.Met1631Ile)

Genes: MYHAS (myosin heavy chain gene cluster antisense RNA; plus strand), MYH2 (myosin heavy chain 2; minus strand), LOC126862500 (BRD4-independent group 4 enhancer GRCh37_chr17:10427829-10429028; plus strand). Cytogenetic location: 17p13.1.
Variant type: single nucleotide variant.
Coding change: c.4893G>C on transcript NM_017534.6 (MANE Select); coding-DNA position 4893, G replaced by C.
Protein change: p.Met1631Ile; replaces methionine 1631 with isoleucine.
Molecular consequence: missense variant.
Genome position (GRCh38, 1-based): chr17:10,524,835, C>G on the plus strand (G>C on the coding strand, the complement: MYH2 is on the minus strand). VCF-style: chr17-10524835-C-G. GRCh37 (hg19) VCF-style: chr17-10428152-C-G.
Other names: c.4893G>C, p.Met1631Ile (NM_001100112.2); short protein forms M1631I.
Identifiers: ClinVar variation 3686350 (VCV003686350.2).

ClinVar aggregate classification (germline): Uncertain significance (1 of 4 stars; one submission).

Conditions:
Myopathy, proximal, and ophthalmoplegia (CMYO6). Also called: MYOPATHY WITH CONGENITAL JOINT CONTRACTURES, OPHTHALMOPLEGIA, AND RIMMED VACUOLES; INCLUSION BODY MYOPATHY 3, AUTOSOMAL DOMINANT; CONGENITAL MYOPATHY 6 WITH OPHTHALMOPLEGIA. Identifiers: Orphanet 363677, Orphanet 79091, MedGen C1854106, MONDO:0011577, OMIM 605637.

Submission:

Labcorp Genetics (formerly Invitae), Labcorp
Classification: Uncertain significance for Myopathy, proximal, and ophthalmoplegia. Last evaluated: 2024-04-09. Review status: criteria provided, single submitter. Criteria: Invitae Variant Classification Sherloc (09022015). Collection method: clinical testing. Allele origin: germline.
Comment: This sequence change replaces methionine, which is neutral and non-polar, with isoleucine, which is neutral and non-polar, at codon 1631 of the MYH2 protein (p.Met1631Ile). This variant is not present in population databases (gnomAD no frequency). This variant has not been reported in the literature in individuals affected with MYH2-related conditions. An algorithm developed to predict the effect of missense changes on protein structure and function (PolyPhen-2) suggests that this variant is likely to be tolerated. In summary, the available evidence is currently insufficient to determine the role of this variant in disease. Therefore, it has been classified as a Variant of Uncertain Significance.